The following is an entry in ClinVar:

NM_014334.4(FRRS1L):c.310A>G (p.Lys104Glu)

Gene: FRRS1L (ferric chelate reductase 1 like; minus strand). Cytogenetic location: 9q31.3.
Variant type: single nucleotide variant.
Coding change: c.310A>G on transcript NM_014334.4 (MANE Select); coding-DNA position 310, A replaced by G.
Protein change: p.Lys104Glu; replaces lysine 104 with glutamic acid.
Molecular consequence: missense variant.
Genome position (GRCh38, 1-based): chr9:109,149,649, T>C on the plus strand (A>G on the coding strand, the complement: FRRS1L is on the minus strand). VCF-style: chr9-109149649-T-C. GRCh37 (hg19) VCF-style: chr9-111911929-T-C.
Other names: short protein forms K104E.
Identifiers: ClinVar variation 2735319 (VCV002735319.3), dbSNP rs2538503024, ClinGen allele CA374428028.

ClinVar aggregate classification (germline): Likely pathogenic (1 of 4 stars; one submission).

Conditions:
Developmental and epileptic encephalopathy, 37 (DEE37). Also called: Epileptic encephalopathy, early infantile, 37. Identifiers: MedGen C4310770, MONDO:0014859, OMIM 616981.

Allele frequency attached by ClinVar (database versions not stated): gnomAD exomes below 0.00001.
gnomAD v4.1: 1 of 1,611,612 alleles (0.000062%); highest among the groups gnomAD compares: Non-Finnish European, 0.000085%; no homozygotes.

Submission:

Labcorp Genetics (formerly Invitae), Labcorp
Classification: Likely pathogenic for Developmental and epileptic encephalopathy, 37. Last evaluated: 2026-01-27. Review status: criteria provided, single submitter. Criteria: Invitae Variant Classification Sherloc (09022015). Collection method: clinical testing. Allele origin: germline.
Comment: This sequence change replaces lysine, which is basic and polar, with glutamic acid, which is acidic and polar, at codon 155 of the FRRS1L protein (p.Lys155Glu). This variant is not present in population databases (gnomAD no frequency). This missense change has been observed in individual(s) with clinical features of developmental and epileptic encephalopathy (PMID: 28675162). It has also been observed to segregate with disease in related individuals. ClinVar contains an entry for this variant (Variation ID: 2735319). An algorithm developed to predict the effect of missense changes on protein structure and function (PolyPhen-2) suggests that this variant is likely to be tolerated. Experimental studies have shown that this missense change affects FRRS1L function (PMID: 28675162). In summary, the currently available evidence indicates that the variant is pathogenic, but additional data are needed to prove that conclusively. Therefore, this variant has been classified as Likely Pathogenic.

Literature cited by the submitters: PubMed 28675162.